The following is an entry in ClinVar:

NM_181303.2(NLGN3):c.353T>C (p.Met118Thr)

Gene: NLGN3 (neuroligin 3; plus strand). Cytogenetic location: Xq13.1.
Variant type: single nucleotide variant.
Coding change: c.353T>C on transcript NM_181303.2 (MANE Select); coding-DNA position 353, T replaced by C.
Protein change: p.Met118Thr; replaces methionine 118 with threonine.
Molecular consequence: missense variant. On other transcripts: initiator codon variant (1).
Genome position (GRCh38, 1-based): chrX:71,148,102, T>C. VCF-style: chrX-71148102-T-C. GRCh37 (hg19) VCF-style: chrX-70367952-T-C.
Other names: c.353T>C, p.Met118Thr (NM_001166660.2, NM_018977.4); c.2T>C, p.Met1Thr (NM_001321276.2); short protein forms M118T, M1T.
Identifiers: ClinVar variation 3373595 (VCV003373595.1).

ClinVar aggregate classification (germline): Uncertain significance (1 of 4 stars; one submission).

Submission:

GeneDx
Classification: Uncertain significance. Last evaluated: 2024-03-11. Review status: criteria provided, single submitter. Criteria: GeneDx Variant Classification Process June 2021. Collection method: clinical testing. Allele origin: germline. Affected: yes.
Comment: Not observed at significant frequency in large population cohorts (gnomAD); In silico analysis supports that this missense variant has a deleterious effect on protein structure/function; Has not been previously published as pathogenic or benign to our knowledge